The following is an entry in ClinVar:

ClinVar aggregate classification (germline): Uncertain significance (1 of 4 stars; one submission).

Submission:

Labcorp Genetics (formerly Invitae), Labcorp
Classification: Uncertain significance. Last evaluated: 2024-01-22. Review status: criteria provided, single submitter. Criteria: Invitae Variant Classification Sherloc (09022015). Collection method: clinical testing. Allele origin: germline.
Comment: This sequence change replaces alanine, which is neutral and non-polar, with valine, which is neutral and non-polar, at codon 84 of the PPM1D protein (p.Ala84Val). This variant is not present in population databases (gnomAD no frequency). This variant has not been reported in the literature in individuals affected with PPM1D-related conditions. An algorithm developed to predict the effect of missense changes on protein structure and function (PolyPhen-2) suggests that this variant is likely to be tolerated. In summary, the available evidence is currently insufficient to determine the role of this variant in disease. Therefore, it has been classified as a Variant of Uncertain Significance.

NM_003620.4(PPM1D):c.251C>T (p.Ala84Val)

Gene: PPM1D (protein phosphatase, Mg2+/Mn2+ dependent 1D; plus strand). Cytogenetic location: 17q23.2.
Variant type: single nucleotide variant.
Coding change: c.251C>T on transcript NM_003620.4 (MANE Select); coding-DNA position 251, C replaced by T.
Protein change: p.Ala84Val; replaces alanine 84 with valine.
Molecular consequence: missense variant.
Genome position (GRCh38, 1-based): chr17:60,600,665, C>T. VCF-style: chr17-60600665-C-T. GRCh37 (hg19) VCF-style: chr17-58678026-C-T.
Other names: short protein forms A84V.
Identifiers: ClinVar variation 2742034 (VCV002742034.3), dbSNP rs2030187942, ClinGen allele CA400453759.